The following is an entry in ClinVar:

NM_001009944.3(PKD1):c.6846C>A (p.Tyr2282Ter)

Gene: PKD1 (polycystin 1, transient receptor potential channel interacting; minus strand). Cytogenetic location: 16p13.3.
Variant type: single nucleotide variant.
Coding change: c.6846C>A on transcript NM_001009944.3 (MANE Select); coding-DNA position 6846, C replaced by A.
Protein change: p.Tyr2282Ter; replaces tyrosine 2282 with a stop codon.
Molecular consequence: nonsense.
Genome position (GRCh38, 1-based): chr16:2,108,321, G>T on the plus strand (C>A on the coding strand, the complement: PKD1 is on the minus strand). VCF-style: chr16-2108321-G-T. GRCh37 (hg19) VCF-style: chr16-2158322-G-T.
Other names: c.6846C>A (NM_001009944.2); c.6846C>A, p.Tyr2282Ter (NM_000296.4); short protein forms Y2282*.
Identifiers: ClinVar variation 873382 (VCV000873382.3), dbSNP rs546354639, ClinGen allele CA394372776.

ClinVar aggregate classification (germline): Pathogenic. Review status: criteria provided, multiple submitters, no conflicts (2 of 4 stars). 3 submissions from 3 submitters: Pathogenic (3). Last evaluated 2023-12-21.

Conditions:
PKD1-related disorder. Also called: PKD1-related condition.
Polycystic kidney disease, adult type (PKD1). Also called: POLYCYSTIC KIDNEY DISEASE, ADULT, TYPE I; Polycystic Kidney Disease 1, Autosomal Dominant; Polycystic kidney disease 1; Polycystic kidney disease 1, severe; POLYCYSTIC KIDNEY DISEASE 1 WITH OR WITHOUT POLYCYSTIC LIVER DISEASE; Polycystic Kidney, Autosomal Dominant. Identifiers: MedGen C3149841, MONDO:0008263, OMIM 173900.

Submissions (3):

GeneDx
Classification: Pathogenic. Last evaluated: 2023-12-21. Review status: criteria provided, single submitter. Criteria: GeneDx Variant Classification Process June 2021. Collection method: clinical testing. Allele origin: germline. Affected: yes.
Comment: Nonsense variant predicted to result in protein truncation or nonsense mediated decay in a gene for which loss of function is a known mechanism of disease; Not observed at significant frequency in large population cohorts (gnomAD); This variant is associated with the following publications: (PMID: 33454723)

Blueprint Genetics
Classification: Pathogenic for PKD1-related disorders. Last evaluated: 2022-06-10. Review status: criteria provided, single submitter. Criteria: ACMG Guidelines, 2015. Collection method: clinical testing. Allele origin: germline. Affected: yes. Observed: 1 variant allele.

Cavalleri Lab, Royal College of Surgeons in Ireland
Classification: Pathogenic for Polycystic kidney disease, adult type. Last evaluated: 2020-02-05. Review status: criteria provided, single submitter. Criteria: ACMG Guidelines, 2015. Collection method: research. Allele origin: unknown. Inheritance: Autosomal dominant inheritance. Affected: yes.
Comment: PVS1, PM2, PP4, PP5